The following is an entry in ClinVar:

NM_000257.4(MYH7):c.3994G>A (p.Ala1332Thr)

Gene: MYH7 (myosin heavy chain 7; minus strand). Cytogenetic location: 14q11.2.
Variant type: single nucleotide variant.
Coding change: c.3994G>A on transcript NM_000257.4 (MANE Select); coding-DNA position 3994, G replaced by A.
Protein change: p.Ala1332Thr; replaces alanine 1332 with threonine.
Molecular consequence: missense variant.
Genome position (GRCh38, 1-based): chr14:23,418,385, C>T on the plus strand (G>A on the coding strand, the complement: MYH7 is on the minus strand). VCF-style: chr14-23418385-C-T. GRCh37 (hg19) VCF-style: chr14-23887594-C-T.
Other names: short protein forms A1332T.
Identifiers: ClinVar variation 42986 (VCV000042986.26), dbSNP rs397516198, ClinGen allele CA014334.

ClinVar aggregate classification (germline): Uncertain significance. Review status: criteria provided, multiple submitters, no conflicts (2 of 4 stars). 9 submissions from 9 submitters: Uncertain significance (9). Last evaluated 2025-11-18.

Conditions:
Cardiovascular phenotype. Identifiers: MedGen CN230736.
Myosin storage myopathy (CMYO7A). Also called: MYOPATHY, HYALINE BODY, AUTOSOMAL DOMINANT; MYH7-related late-onset scapuloperoneal muscular dystrophy; Congenital myopathy 7A, myosin storage, autosomal dominant; SCAPULOPERONEAL MUSCULAR DYSTROPHY; SCAPULOPERONEAL SYNDROME, MYOPATHIC TYPE; Scapuloperoneal myopathy, MYH7-related. Identifiers: Orphanet 437572, Orphanet 636965, MedGen C1842160, MONDO:0008409, OMIM 608358.
Hypertrophic cardiomyopathy 1 (CMH1). Also called: MYH7-Related Familial Hypertrophic Cardiomyopathy; Familial hypertrophic cardiomyopathy 1. Identifiers: MedGen C3495498, MONDO:0008647, OMIM 192600.
Myopathy, myosin storage, autosomal recessive (CMYO7B). Also called: CONGENITAL MYOPATHY 7B, MYOSIN STORAGE, AUTOSOMAL RECESSIVE. Identifiers: Orphanet 636970, MedGen C1850709, MONDO:0009708, OMIM 255160.
Congenital myopathy with fiber type disproportion. Also called: Congenital fiber-type disproportion myopathy; Congenital fiber-type disproportion. Identifiers: Orphanet 2020, MedGen C0546264, MONDO:0009711. Inheritance: all.
Dilated cardiomyopathy 1S (CMD1S). Identifiers: Orphanet 154, Orphanet 54260, MedGen C1834481, MONDO:0013262, OMIM 613426.
MYH7-related skeletal myopathy. Also called: Laing early-onset distal myopathy; Myopathy, distal, 1; MYOPATHY, DISTAL, EARLY-ONSET, AUTOSOMAL DOMINANT; MYOPATHY, LATE DISTAL HEREDITARY; Laing distal myopathy. Identifiers: Orphanet 59135, MedGen C4552004, MONDO:0008050, OMIM 160500.
Cardiomyopathy (CMYO). Also called: Cardiomyopathies. Identifiers: Orphanet 167848, MedGen C0878544, MONDO:0004994, HP:0001638. Inheritance: Various modes of inheritance.
Hypertrophic cardiomyopathy. Also called: HYPERTROPHIC MYOCARDIOPATHY. Identifiers: Orphanet 217569, MedGen C0007194, MeSH D002312, MONDO:0005045, HP:0001639.

Allele frequency attached by ClinVar (database versions not stated): ExAC 0.00002; gnomAD exomes 0.00003; gnomAD 0.00001; TOPMed 0.00003.
gnomAD v4.1: 29 of 1,611,578 alleles (0.0018%); highest among the groups gnomAD compares: African/African-American, 0.0013%; no homozygotes.

Submissions (9):

Labcorp Genetics (formerly Invitae), Labcorp
Classification: Uncertain significance for Hypertrophic cardiomyopathy. Last evaluated: 2025-11-18. Review status: criteria provided, single submitter. Criteria: Invitae Variant Classification Sherloc (09022015). Collection method: clinical testing. Allele origin: germline.
Comment: This sequence change replaces alanine, which is neutral and non-polar, with threonine, which is neutral and polar, at codon 1332 of the MYH7 protein (p.Ala1332Thr). This variant is present in population databases (rs397516198, gnomAD 0.07%). This missense change has been observed in individual(s) with MYH7-related conditions (PMID: 21750094, 27532257, 31534214). ClinVar contains an entry for this variant (Variation ID: 42986). Invitae Evidence Modeling of protein sequence and biophysical properties (such as structural, functional, and spatial information, amino acid conservation, physicochemical variation, residue mobility, and thermodynamic stability) indicates that this missense variant is expected to disrupt MYH7 protein function with a positive predictive value of 95%. In summary, the available evidence is currently insufficient to determine the role of this variant in disease. Therefore, it has been classified as a Variant of Uncertain Significance.

All of Us Research Program, National Institutes of Health
Classification: Uncertain significance for Cardiomyopathy. Last evaluated: 2024-07-20. Review status: criteria provided, single submitter. Criteria: ACMG Guidelines, 2015. Collection method: clinical testing. Allele origin: germline. Inheritance: Autosomal dominant inheritance. Observed: 8 variant alleles, 8 heterozygotes.
Comment: This missense variant replaces alanine with threonine at codon 1332 of the MYH7 protein. Computational prediction is inconclusive regarding the impact of this variant on protein structure and function (internally defined REVEL score threshold 0.5 < inconclusive < 0.7, PMID: 27666373). To our knowledge, functional studies have not been reported for this variant. This variant has been reported in two individuals affected with hypertrophic cardiomyopathy (PMID: 27532257), in one individual affected with dilated cardiomyopathy (PMID: 21750094), and in one individual affected with sudden cardiac death (PMID: 31534214). This variant has been identified in 8/248764 chromosomes in the general population by the Genome Aggregation Database (gnomAD). The available evidence is insufficient to determine the role of this variant in disease conclusively. Therefore, this variant is classified as a Variant of Uncertain Significance.

This study involves interpretation of variants in research participants for the purpose of population health screening. Participant phenotype was not available at the time of variant classification. Additional details can be found in publication PMID: 35346344, PMCID: PMC8962531

Color Diagnostics, LLC DBA Color Health
Classification: Uncertain significance for Cardiomyopathy. Last evaluated: 2024-05-02. Review status: criteria provided, single submitter. Criteria: ACMG Guidelines, 2015. Collection method: clinical testing. Allele origin: germline.
Comment: This missense variant replaces alanine with threonine at codon 1332 of the MYH7 protein. Computational prediction tools indicate that this variant's impact on protein structure and function is inconclusive. To our knowledge, functional studies have not been reported for this variant. This variant has been reported in two individuals affected with hypertrophic cardiomyopathy (PMID: 27532257), in one individual affected with dilated cardiomyopathy (PMID: 21750094), and in one individual affected with sudden cardiac death (PMID: 31534214). This variant has been identified in 8/248764 chromosomes in the general population by the Genome Aggregation Database (gnomAD). The available evidence is insufficient to determine the role of this variant in disease conclusively. Therefore, this variant is classified as a Variant of Uncertain Significance.

Fulgent Genetics
Classification: Uncertain significance for MYH7-related skeletal myopathy; Myosin storage myopathy; Hypertrophic cardiomyopathy 1; Myopathy, myosin storage, autosomal recessive; Congenital myopathy 4A, autosomal dominant; Dilated cardiomyopathy 1S. Last evaluated: 2021-10-20. Review status: criteria provided, single submitter. Criteria: ACMG Guidelines, 2015. Collection method: clinical testing. Allele origin: unknown.

Ambry Genetics
Classification: Uncertain significance for Cardiovascular phenotype. Last evaluated: 2021-05-07. Review status: criteria provided, single submitter. Criteria: Ambry Variant Classification Scheme 2023. Collection method: clinical testing. Allele origin: germline.

AiLife Diagnostics
Classification: Uncertain significance. Last evaluated: 2021-04-21. Review status: criteria provided, single submitter. Criteria: ACMG Guidelines, 2015. Collection method: clinical testing. Allele origin: germline. Affected: yes. Observed: 1 variant allele.

GeneDx
Classification: Uncertain significance. Last evaluated: 2020-11-10. Review status: criteria provided, single submitter. Criteria: GeneDx Variant Classification Process June 2021. Collection method: clinical testing. Allele origin: germline. Affected: yes.
Comment: In silico analysis supports that this missense variant has a deleterious effect on protein structure/function; This variant is associated with the following publications: (PMID: 27532257, 31534214, 21750094)

Laboratory for Molecular Medicine, Mass General Brigham Personalized Medicine
Classification: Uncertain significance for Hypertrophic cardiomyopathy. Last evaluated: 2019-04-05. Review status: criteria provided, single submitter. Criteria: ACMG Guidelines, 2015. Collection method: clinical testing. Allele origin: germline.
Comment: Disclaimer: This variant has not undergone full assessment. It has also been reported in one individual with HCM (Waldmuller 2011). Clinvar: VUS (Invitae, GeneDx, LMM). Gnomad: 0.07% (7 AJ alleles).

Stanford Center for Inherited Cardiovascular Disease, Stanford University
Classification: Uncertain significance. Last evaluated: 2016-04-05. Review status: criteria provided, single submitter. Criteria: ACMG Guidelines, 2015. Collection method: provider interpretation. Allele origin: germline.

Literature cited by the submitters: PubMed 21750094 (cited by 5 submitters); PubMed 27532257 (cited by 4 submitters); PubMed 31534214 (cited by 4 submitters).